The following is an entry in ClinVar:

ClinVar aggregate classification (germline): Likely benign (1 of 4 stars; one submission).

Submission:

GeneDx
Classification: Likely benign. Last evaluated: 2017-05-05. Review status: criteria provided, single submitter. Criteria: GeneDx Variant Classification (06012015). Collection method: clinical testing. Allele origin: germline. Affected: yes.
Comment: This variant is considered likely benign or benign based on one or more of the following criteria: it is a conservative change, it occurs at a poorly conserved position in the protein, it is predicted to be benign by multiple in silico algorithms, and/or has population frequency not consistent with disease.

NM_025265.4(TSEN2):c.612G>A (p.Glu204=)

Gene: TSEN2 (tRNA splicing endonuclease subunit 2; plus strand). Cytogenetic location: 3p25.2.
Variant type: single nucleotide variant.
Coding change: c.612G>A on transcript NM_025265.4 (MANE Select); coding-DNA position 612, G replaced by A.
Protein change: p.Glu204=; no amino-acid change (glutamic acid 204 retained).
Molecular consequence: synonymous variant. On other transcripts: non-coding transcript variant (1), intron variant (1).
Genome position (GRCh38, 1-based): chr3:12,503,565, G>A. VCF-style: chr3-12503565-G-A. GRCh37 (hg19) VCF-style: chr3-12545064-G-A.
Other names: c.612G>A, p.Glu204= (NM_001145392.2, NM_001145393.3, NM_001321277.2 and 2 more transcripts); c.517-82G>A (NM_001145394.2).
Identifiers: ClinVar variation 509352 (VCV000509352.1), dbSNP rs1052849982, ClinGen allele CA432520475.